The following is an entry in ClinVar:

NM_004168.4(SDHA):c.1122G>C (p.Glu374Asp)

Gene: SDHA (succinate dehydrogenase complex flavoprotein subunit A; plus strand). Cytogenetic location: 5p15.33.
Variant type: single nucleotide variant.
Coding change: c.1122G>C on transcript NM_004168.4 (MANE Select); coding-DNA position 1122, G replaced by C.
Protein change: p.Glu374Asp; replaces glutamic acid 374 with aspartic acid.
Molecular consequence: missense variant.
Genome position (GRCh38, 1-based): chr5:235,201, G>C. VCF-style: chr5-235201-G-C. GRCh37 (hg19) VCF-style: chr5-235316-G-C.
Other names: c.978G>C, p.Glu326Asp (NM_001294332.2); c.1122G>C, p.Glu374Asp (NM_001330758.2); short protein forms E326D, E374D.
Identifiers: ClinVar variation 3748670 (VCV003748670.2).
Genomic context (GRCh38, chr5:235,201, plus strand): 5'-CAGAGGCTGTGGCCCTGAGAAAGATCACGTCTACCTGCAGCTGCACCACCTACCTCCAGA[G>C]CAGCTGGCCACGCGCCTGCCTGGCATTTCAGAGACAGCCATGATCTTCGCTGGCGTGGAC-3'
Protein context (NP_004159.2, residues 364-384): VYLQLHHLPP[Glu374Asp]QLATRLPGIS

ClinVar aggregate classification (germline): Uncertain significance (1 of 4 stars; one submission).

Conditions:
Mitochondrial complex II deficiency, nuclear type 1. Also called: SUCCINATE CoQ REDUCTASE DEFICIENCY. Identifiers: Orphanet 3208, MedGen C5700310, MONDO:0100294, OMIM 252011.
Pheochromocytoma/paraganglioma syndrome 5. Also called: Paragangliomas 5; SDHA-Related Hereditary Paraganglioma-Pheochromocytoma Syndrome. Identifiers: Orphanet 29072, MedGen C3279992, MONDO:0013602, OMIM 614165.

Submission:

Labcorp Genetics (formerly Invitae), Labcorp
Classification: Uncertain significance for Pheochromocytoma/paraganglioma syndrome 5; Mitochondrial complex II deficiency, nuclear type 1. Last evaluated: 2024-08-07. Review status: criteria provided, single submitter. Criteria: Invitae Variant Classification Sherloc (09022015). Collection method: clinical testing. Allele origin: germline.
Comment: This sequence change replaces glutamic acid, which is acidic and polar, with aspartic acid, which is acidic and polar, at codon 374 of the SDHA protein (p.Glu374Asp). This variant is not present in population databases (gnomAD no frequency). This variant has not been reported in the literature in individuals affected with SDHA-related conditions. Advanced modeling of protein sequence and biophysical properties (such as structural, functional, and spatial information, amino acid conservation, physicochemical variation, residue mobility, and thermodynamic stability) performed at Invitae indicates that this missense variant is not expected to disrupt SDHA protein function with a negative predictive value of 95%. In summary, the available evidence is currently insufficient to determine the role of this variant in disease. Therefore, it has been classified as a Variant of Uncertain Significance.